The following is an entry in ClinVar:

NM_001195553.2(DCX):c.190T>A (p.Tyr64Asn)

Gene: DCX (doublecortin; minus strand). Cytogenetic location: Xq23.
Variant type: single nucleotide variant.
Coding change: c.190T>A on transcript NM_001195553.2 (MANE Select); coding-DNA position 190, T replaced by A.
Protein change: p.Tyr64Asn; replaces tyrosine 64 with asparagine.
Molecular consequence: missense variant.
Genome position (GRCh38, 1-based): chrX:111,410,209, A>T on the plus strand (T>A on the coding strand, the complement: DCX is on the minus strand). VCF-style: chrX-111410209-A-T. GRCh37 (hg19) VCF-style: chrX-110653437-A-T.
Other names: c.190T>A, p.Tyr64Asn (NM_001369370.1, NM_001369371.1, NM_001369372.1 and 5 more transcripts); c.433T>A, p.Tyr145Asn (NM_000555.3); short protein forms Y145N, Y64N.
Identifiers: ClinVar variation 438585 (VCV000438585.1), dbSNP rs1556405129, ClinGen allele CA414246919.

ClinVar aggregate classification (germline): Likely pathogenic (1 of 4 stars; one submission).

Conditions:
Lissencephaly type 1 due to doublecortin gene mutation. Also called: LISSENCEPHALY, X-LINKED, 1; LISSENCEPHALY AND AGENESIS OF CORPUS CALLOSUM. Identifiers: Orphanet 2148, MedGen C4551968, MONDO:0010239, OMIM 300067.

Submission:

Lupski Lab, Baylor-Hopkins CMG, Baylor College of Medicine
Classification: Likely pathogenic for Lissencephaly type 1 due to doublecortin gene mutation. Last evaluated: 2017-09-01. Review status: criteria provided, single submitter. Criteria: Wiszniewski et al. (Eur J Hum Genet. 2018). Collection method: research. Allele origin: de novo. Inheritance: X-linked inheritance. Affected: yes. Observed: 1 variant allele.